The following is an entry in ClinVar:

NM_000312.4(PROC):c.714C>A (p.Cys238Ter)

Gene: PROC (protein C, inactivator of coagulation factors Va and VIIIa; plus strand). Cytogenetic location: 2q14.3.
Variant type: single nucleotide variant.
Coding change: c.714C>A on transcript NM_000312.4 (MANE Select); coding-DNA position 714, C replaced by A.
Protein change: p.Cys238Ter; replaces cysteine 238 with a stop codon.
Molecular consequence: nonsense.
Genome position (GRCh38, 1-based): chr2:127,427,140, C>A. VCF-style: chr2-127427140-C-A. GRCh37 (hg19) VCF-style: chr2-128184716-C-A.
Other names: c.879C>A, p.Cys293Ter (NM_001375603.1); c.777C>A, p.Cys259Ter (NM_001375604.1); c.816C>A, p.Cys272Ter (NM_001375605.1); c.882C>A, p.Cys294Ter (NM_001375606.1); c.900C>A, p.Cys300Ter (NM_001375607.1); c.657C>A, p.Cys219Ter (NM_001375608.1); c.690C>A, p.Cys230Ter (NM_001375609.1); c.708C>A, p.Cys236Ter (NM_001375610.1); and 2 more; short protein forms C230*, C259*, C293*, C300*, C294*, C299*, C238*, C219*.
Identifiers: ClinVar variation 4734045 (VCV004734045.1).

ClinVar aggregate classification (germline): Pathogenic (1 of 4 stars; one submission).

Conditions:
Thrombophilia due to protein C deficiency, autosomal dominant. Also called: PROC DEFICIENCY, AUTOSOMAL DOMINANT; PROTEIN C DEFICIENCY, AUTOSOMAL DOMINANT. Identifiers: Orphanet 745, MedGen C2674321, MONDO:0008316, OMIM 176860. Disease mechanism: loss of function.

Submission:

Labcorp Genetics (formerly Invitae), Labcorp
Classification: Pathogenic for Thrombophilia due to protein C deficiency, autosomal dominant. Last evaluated: 2025-12-24. Review status: criteria provided, single submitter. Criteria: Invitae Variant Classification Sherloc (09022015). Collection method: clinical testing. Allele origin: germline.
Comment: This sequence change creates a premature translational stop signal (p.Cys238*) in the PROC gene. It is expected to result in an absent or disrupted protein product. Loss-of-function variants in PROC are known to be pathogenic (PMID: 17152060). This variant is not present in population databases (gnomAD no frequency). This variant has not been reported in the literature in individuals affected with PROC-related conditions. For these reasons, this variant has been classified as Pathogenic.

Literature cited by the submitters: PubMed 17152060.